The following is an entry in ClinVar:

NM_000020.3(ACVRL1):c.98C>T (p.Thr33Ile)

Gene: ACVRL1 (activin A receptor like type 1; plus strand). Cytogenetic location: 12q13.13.
Variant type: single nucleotide variant.
Coding change: c.98C>T on transcript NM_000020.3 (MANE Select); coding-DNA position 98, C replaced by T.
Protein change: p.Thr33Ile; replaces threonine 33 with isoleucine.
Molecular consequence: missense variant. On other transcripts: intron variant (1).
Genome position (GRCh38, 1-based): chr12:51,913,135, C>T. VCF-style: chr12-51913135-C-T. GRCh37 (hg19) VCF-style: chr12-52306919-C-T.
Other names: c.98C>T, p.Thr33Ile (NM_001077401.2, NM_001406487.1, NM_001406488.1 and 6 more transcripts); c.61+600C>T (NM_001406495.1); short protein forms T33I.
Identifiers: ClinVar variation 5032775 (VCV005032775.1).

ClinVar aggregate classification (germline): Uncertain significance (1 of 4 stars; one submission).

Conditions:
Cardiovascular phenotype. Identifiers: MedGen CN230736.

gnomAD v4.1: 6 of 1,606,974 alleles (0.00037%); highest among the groups gnomAD compares: Non-Finnish European, 0.00051%; no homozygotes.

Submission:

Ambry Genetics
Classification: Uncertain significance for Cardiovascular phenotype. Last evaluated: 2026-09-13. Review status: criteria provided, single submitter. Criteria: Ambry Variant Classification Scheme 2023. Collection method: clinical testing. Allele origin: germline.
Comment: The p.T33I variant (also known as c.98C>T), located in coding exon 2 of the ACVRL1 gene, results from a C to T substitution at nucleotide position 98. The threonine at codon 33 is replaced by isoleucine, an amino acid with similar properties. This amino acid position is conserved. In addition, the in silico prediction for this alteration is inconclusive. Based on the available evidence, the clinical significance of this variant remains unclear.